The following is an entry in ClinVar:

ClinVar aggregate classification (germline): Likely pathogenic (1 of 4 stars; one submission).

Conditions:
Smith-Lemli-Opitz syndrome (SLOS). Also called: RSH SYNDROME; RUTLEDGE LETHAL MULTIPLE CONGENITAL ANOMALY SYNDROME; POLYDACTYLY, SEX REVERSAL, RENAL HYPOPLASIA, AND UNILOBAR LUNG; 7-Dehydrocholesterol reductase deficiency; LETHAL ACRODYSGENITAL SYNDROME. Identifiers: Orphanet 818, MedGen C0175694, MONDO:0010035, OMIM 270400.

Allele frequency attached by ClinVar (database versions not stated): gnomAD exomes below 0.00001; ExAC 0.00001.
gnomAD v4.1: 1 of 1,611,864 alleles (0.000062%); highest among the groups gnomAD compares: South Asian, 0.0011%; no homozygotes.

Submission:

Labcorp Genetics (formerly Invitae), Labcorp
Classification: Likely pathogenic for Smith-Lemli-Opitz syndrome. Last evaluated: 2021-04-29. Review status: criteria provided, single submitter. Criteria: Invitae Variant Classification Sherloc (09022015). Collection method: clinical testing. Allele origin: germline.
Comment: This variant has not been reported in the literature in individuals with DHCR7-related conditions. In summary, the currently available evidence indicates that the variant is pathogenic, but additional data are needed to prove that conclusively. Therefore, this variant has been classified as Likely Pathogenic. This variant disrupts the p.Tyr432 amino acid residue in DHCR7. Other variant(s) that disrupt this residue have been determined to be pathogenic (PMID: 15776424, 19390132, 23293579). This suggests that this residue is clinically significant, and that variants that disrupt this residue are likely to be disease-causing. Advanced modeling of protein sequence and biophysical properties (such as structural, functional, and spatial information, amino acid conservation, physicochemical variation, residue mobility, and thermodynamic stability) performed at Invitae indicates that this missense variant is expected to disrupt DHCR7 protein function. This variant is present in population databases (rs747656720, ExAC 0.006%). This sequence change replaces tyrosine with histidine at codon 432 of the DHCR7 protein (p.Tyr432His). The tyrosine residue is highly conserved and there is a moderate physicochemical difference between tyrosine and histidine.

Literature cited by the submitters: PubMed 15776424; PubMed 19390132; PubMed 23293579.

NM_001360.3(DHCR7):c.1294T>C (p.Tyr432His)

Gene: DHCR7 (7-dehydrocholesterol reductase; minus strand). Cytogenetic location: 11q13.4.
Variant type: single nucleotide variant.
Coding change: c.1294T>C on transcript NM_001360.3 (MANE Select); coding-DNA position 1294, T replaced by C.
Protein change: p.Tyr432His; replaces tyrosine 432 with histidine.
Molecular consequence: missense variant.
Genome position (GRCh38, 1-based): chr11:71,435,509, A>G on the plus strand (T>C on the coding strand, the complement: DHCR7 is on the minus strand). VCF-style: chr11-71435509-A-G. GRCh37 (hg19) VCF-style: chr11-71146555-A-G.
Other names: c.1294T>C, p.Tyr432His (NM_001163817.2); short protein forms Y432H.
Identifiers: ClinVar variation 1506319 (VCV001506319.8), dbSNP rs747656720, ClinGen allele CA6162267.